The following is an entry in ClinVar:

NM_002778.4(PSAP):c.*122C>G

Gene: PSAP (prosaposin; minus strand). Cytogenetic location: 10q22.1.
Variant type: single nucleotide variant.
Coding change: c.*122C>G on transcript NM_002778.4 (MANE Select); 122 bases downstream of the stop codon, C replaced by G.
Molecular consequence: 3 prime UTR variant.
Genome position (GRCh38, 1-based): chr10:71,817,319, G>C on the plus strand (C>G on the coding strand, the complement: PSAP is on the minus strand). VCF-style: chr10-71817319-G-C. GRCh37 (hg19) VCF-style: chr10-73577076-G-C.
Other names: c.*122C>G (NM_001042465.3, NM_001042466.3).
Identifiers: ClinVar variation 300503 (VCV000300503.7), dbSNP rs113284884, ClinGen allele CA10628841.

ClinVar aggregate classification (germline): Conflicting classifications of pathogenicity. Review status: criteria provided, conflicting classifications (1 of 4 stars). 5 submissions from 2 submitters: Uncertain significance (1); Benign (1); Likely benign (3). Last evaluated 2018-07-09.

Conditions:
Krabbe disease due to saposin A deficiency. Also called: Saposin A Deficiency; KRABBE DISEASE, ATYPICAL, DUE TO SAPOSIN A DEFICIENCY. Identifiers: Orphanet 487, MedGen C2673266, MONDO:0012720, OMIM 611722.
Combined PSAP deficiency (PSAPD). Also called: COMBINED SAP DEFICIENCY; PROSAPOSIN DEFICIENCY; Encephalopathy due to prosaposin deficiency. Identifiers: Orphanet 139406, MedGen C2673635, MONDO:0012719, OMIM 611721.
Gaucher disease due to saposin C deficiency. Also called: Atypical Gaucher disease due to saposin C deficiency; Saposin C Deficiency. Identifiers: Orphanet 309252, Orphanet 355, MedGen C1864651, MONDO:0012517, OMIM 610539.
Sphingolipid activator protein 1 deficiency. Also called: Saposin B Deficiency; METACHROMATIC LEUKODYSTROPHY DUE TO CEREBROSIDE SULFATASE ACTIVATOR DEFICIENCY; Metachromatic leukodystrophy due to saposin B deficiency. Identifiers: Orphanet 512, MedGen C0268262, MONDO:0009590, OMIM 249900.

Allele frequency attached by ClinVar (database versions not stated): 1000 Genomes Project 0.00319; 1000 Genomes Project 30x 0.00328; TOPMed 0.00476; gnomAD 0.00572; gnomAD exomes 0.00680.
gnomAD v4.1: 7,000 of 1,053,852 alleles (0.66%); highest among the groups gnomAD compares: Non-Finnish European, 0.78%; 43 homozygotes.

Submissions (5):

GeneDx
Classification: Likely benign. Last evaluated: 2018-07-09. Review status: criteria provided, single submitter. Criteria: GeneDx Variant Classification Process June 2021. Collection method: clinical testing. Allele origin: germline. Affected: yes.

Illumina Laboratory Services, Illumina
Classification: Likely benign for Krabbe disease due to saposin A deficiency. Last evaluated: 2018-01-12. Review status: criteria provided, single submitter. Criteria: ICSL Variant Classification Criteria 13 December 2019. Collection method: clinical testing. Allele origin: germline.
Comment: This variant was observed in the ICSL laboratory as part of a predisposition screen in an ostensibly healthy population. It had not been previously curated by ICSL or reported in the Human Gene Mutation Database (HGMD: prior to June 1st, 2018), and was therefore a candidate for classification through an automated scoring system. Utilizing variant allele frequency, disease prevalence and penetrance estimates, and inheritance mode, an automated score was calculated to assess if this variant is too frequent to cause the disease. Based on the score and internal cut-off values, a variant classified as likely benign is not then subjected to further curation. The score for this variant resulted in a classification of likely benign for this disease.

Illumina Laboratory Services, Illumina
Classification: Uncertain significance for Sphingolipid activator protein 1 deficiency. Last evaluated: 2018-01-12. Review status: criteria provided, single submitter. Criteria: ICSL Variant Classification Criteria 13 December 2019. Collection method: clinical testing. Allele origin: germline.

Illumina Laboratory Services, Illumina
Classification: Benign for Gaucher disease due to saposin C deficiency. Last evaluated: 2018-01-12. Review status: criteria provided, single submitter. Criteria: ICSL Variant Classification Criteria 13 December 2019. Collection method: clinical testing. Allele origin: germline.
Comment: This variant was observed in the ICSL laboratory as part of a predisposition screen in an ostensibly healthy population. It had not been previously curated by ICSL or reported in the Human Gene Mutation Database (HGMD: prior to June 1st, 2018), and was therefore a candidate for classification through an automated scoring system. Utilizing variant allele frequency, disease prevalence and penetrance estimates, and inheritance mode, an automated score was calculated to assess if this variant is too frequent to cause the disease. Based on the score and internal cut-off values, a variant classified as benign is not then subjected to further curation. The score for this variant resulted in a classification of benign for this disease.

Illumina Laboratory Services, Illumina
Classification: Likely benign for Combined PSAP deficiency. Last evaluated: 2018-01-12. Review status: criteria provided, single submitter. Criteria: ICSL Variant Classification Criteria 13 December 2019. Collection method: clinical testing. Allele origin: germline.
Comment: the same text as in the submission from Illumina Laboratory Services, Illumina above.